The following is an entry in ClinVar:

NM_000051.4(ATM):c.2829C>G (p.His943Gln)

Gene: ATM (ATM serine/threonine kinase; plus strand). Cytogenetic location: 11q22.3.
Variant type: single nucleotide variant.
Coding change: c.2829C>G on transcript NM_000051.4 (MANE Select); coding-DNA position 2829, C replaced by G.
Protein change: p.His943Gln; replaces histidine 943 with glutamine.
Molecular consequence: missense variant.
Genome position (GRCh38, 1-based): chr11:108,268,600, C>G. VCF-style: chr11-108268600-C-G. GRCh37 (hg19) VCF-style: chr11-108139327-C-G.
Other names: c.2829C>G, p.His943Gln (NM_001351834.2); short protein forms H943Q.
Identifiers: ClinVar variation 5032328 (VCV005032328.1).

ClinVar aggregate classification (germline): Uncertain significance (1 of 4 stars; one submission).

Conditions:
Hereditary cancer-predisposing syndrome. Also called: Neoplastic Syndromes, Hereditary; Tumor predisposition; Hereditary neoplastic syndrome; Hereditary Cancer Syndrome. Identifiers: Orphanet 140162, MedGen C0027672, MeSH D009386, MONDO:0015356.

Submission:

Ambry Genetics
Classification: Uncertain significance for Hereditary cancer-predisposing syndrome. Last evaluated: 2026-09-10. Review status: criteria provided, single submitter. Criteria: Ambry Variant Classification Scheme 2023. Collection method: clinical testing. Allele origin: germline.
Comment: The p.H943Q variant (also known as c.2829C>G), located in coding exon 17 of the ATM gene, results from a C to G substitution at nucleotide position 2829. The histidine at codon 943 is replaced by glutamine, an amino acid with highly similar properties. In an assay testing ATM function, this variant showed a functionally normal (Lee KS et al. Cell, 2025 Sep;188:5081-5099.e27). This amino acid position is highly conserved in available vertebrate species. In addition, the in silico prediction for this alteration is inconclusive. Based on the available evidence, the clinical significance of this variant remains unclear.

Literature cited by the submitters: PubMed 40580951.